The following is an entry in ClinVar:

NM_001558.4(IL10RA):c.17T>C (p.Val6Ala)

Gene: IL10RA (interleukin 10 receptor subunit alpha; plus strand). Cytogenetic location: 11q23.3.
Variant type: single nucleotide variant.
Coding change: c.17T>C on transcript NM_001558.4 (MANE Select); coding-DNA position 17, T replaced by C.
Protein change: p.Val6Ala; replaces valine 6 with alanine.
Molecular consequence: missense variant. On other transcripts: non-coding transcript variant (1).
Genome position (GRCh38, 1-based): chr11:117,986,484, T>C. VCF-style: chr11-117986484-T-C. GRCh37 (hg19) VCF-style: chr11-117857199-T-C.
Other names: short protein forms V6A.
Identifiers: ClinVar variation 1413529 (VCV001413529.3), dbSNP rs768177135, ClinGen allele CA6298791.

ClinVar aggregate classification (germline): Uncertain significance (1 of 4 stars; one submission).

Conditions:
Inflammatory bowel disease 28. Also called: Inflammatory bowel disease 28, early onset, autosomal recessive. Identifiers: Orphanet 238569, MedGen C2751053, MONDO:0013153, OMIM 613148.

Allele frequency attached by ClinVar (database versions not stated): gnomAD exomes 0.00003 and 0.00004; gnomAD 0.00004; TOPMed 0.00005.
gnomAD v4.1: 49 of 1,556,050 alleles (0.0031%); highest among the groups gnomAD compares: South Asian, 0.0059%; no homozygotes.

Submission:

Labcorp Genetics (formerly Invitae), Labcorp
Classification: Uncertain significance for Inflammatory bowel disease 28. Last evaluated: 2022-06-04. Review status: criteria provided, single submitter. Criteria: Invitae Variant Classification Sherloc (09022015). Collection method: clinical testing. Allele origin: germline.
Comment: This sequence change replaces valine, which is neutral and non-polar, with alanine, which is neutral and non-polar, at codon 6 of the IL10RA protein (p.Val6Ala). This variant is present in population databases (rs768177135, gnomAD 0.01%). This variant has not been reported in the literature in individuals affected with IL10RA-related conditions. ClinVar contains an entry for this variant (Variation ID: 1413529). Algorithms developed to predict the effect of missense changes on protein structure and function are either unavailable or do not agree on the potential impact of this missense change (SIFT: "Tolerated"; PolyPhen-2: "Not Available"; Align-GVGD: "Class C0"). In summary, the available evidence is currently insufficient to determine the role of this variant in disease. Therefore, it has been classified as a Variant of Uncertain Significance.